The following is an entry in ClinVar:

ClinVar aggregate classification (germline): Uncertain significance. Review status: criteria provided, multiple submitters, no conflicts (2 of 4 stars). 2 submissions from 2 submitters: Uncertain significance (2). Last evaluated 2025-07-24.

Conditions:
Inborn genetic diseases. Identifiers: MedGen C0950123, MeSH D030342.

Allele frequency attached by ClinVar (database versions not stated): gnomAD exomes 0.00001.
gnomAD v4.1: 3 of 1,612,552 alleles (0.00019%); highest among the groups gnomAD compares: Non-Finnish European, 0.00025%; no homozygotes.

Submissions (2):

Mayo Clinic Laboratories, Mayo Clinic
Classification: Uncertain significance. Last evaluated: 2025-07-24. Review status: criteria provided, single submitter. Criteria: ACMG Guidelines, 2015. Collection method: clinical testing. Allele origin: germline. Observed: 1 variant allele.
Comment: BP4_moderate

Ambry Genetics
Classification: Uncertain significance for Inborn genetic diseases. Last evaluated: 2021-06-11. Review status: criteria provided, single submitter. Criteria: Ambry Variant Classification Scheme 2023. Collection method: clinical testing. Allele origin: germline.

NM_012233.3(RAB3GAP1):c.512A>G (p.His171Arg)

Gene: RAB3GAP1 (RAB3 GTPase activating protein catalytic subunit 1; plus strand). Cytogenetic location: 2q21.3.
Variant type: single nucleotide variant.
Coding change: c.512A>G on transcript NM_012233.3 (MANE Select); coding-DNA position 512, A replaced by G.
Protein change: p.His171Arg; replaces histidine 171 with arginine.
Molecular consequence: missense variant.
Genome position (GRCh38, 1-based): chr2:135,115,245, A>G. VCF-style: chr2-135115245-A-G. GRCh37 (hg19) VCF-style: chr2-135872815-A-G.
Other names: p.His171Arg; c.512A>G, p.His171Arg (NM_001172435.2); short protein forms H171R.
Identifiers: ClinVar variation 2410384 (VCV002410384.3), dbSNP rs1690935601, ClinGen allele CA348567070.
Genomic context (GRCh38, chr2:135,115,245, plus strand): 5'-TATTCCATTCCTATTTAATCATGTCTTGCAGTCAGGTGCCACTCTTTGTGCAAATTCACC[A>G]CAAATGGCGAAGAATGTATGTAGGAGAATGTCAAGGTCCTGGTGTACGAACTGATTTCGA-3'
Protein context (NP_036365.1, residues 161-181): CQVPLFVQIH[His171Arg]KWRRMYVGEC